The following is an entry in ClinVar:

ClinVar aggregate classification (germline): Uncertain significance (1 of 4 stars; one submission).

Submission:

Labcorp Genetics (formerly Invitae), Labcorp
Classification: Uncertain significance. Last evaluated: 2022-07-06. Review status: criteria provided, single submitter. Criteria: Invitae Variant Classification Sherloc (09022015). Collection method: clinical testing. Allele origin: germline.
Comment: A copy number gain of the genomic region encompassing the full coding sequence of the EMC1 gene has been identified. The boundaries of this event are unknown as they extend beyond the assayed region for this gene and therefore may encompass additional genes. As the precise location of this event is unknown, it may be in tandem or it may be located elsewhere in the genome. This variant has not been reported in the literature in individuals affected with EMC1-related conditions. In summary, the available evidence is currently insufficient to determine the role of this variant in disease. Therefore, it has been classified as a Variant of Uncertain Significance.

NC_000001.10:g.(?_19545797)_(19578003_?)dup

Gene: EMC1 (ER membrane protein complex subunit 1; minus strand). Cytogenetic location: 1p36.13.
Variant type: Duplication.
Identifiers: ClinVar variation 2426045 (VCV002426045.3).